The following is an entry in ClinVar:

ClinVar aggregate classification (germline): Uncertain significance. Review status: criteria provided, multiple submitters, no conflicts (2 of 4 stars). 2 submissions from 2 submitters: Uncertain significance (2). Last evaluated 2025-06-15.

Conditions:
Hereditary spastic paraplegia 4. Also called: Spastic paraplegia 4, autosomal dominant; Familial spastic paraplegia autosomal dominant 2; Spastic Paraplegia 4. Identifiers: Orphanet 100985, MedGen C1866855, MONDO:0008438, OMIM 182601.
Inborn genetic diseases. Identifiers: MedGen C0950123, MeSH D030342.

Allele frequency attached by ClinVar (database versions not stated): gnomAD 0.00001; gnomAD exomes 0.00001; ExAC 0.00002; TOPMed 0.00003.
gnomAD v4.1: 17 of 1,607,772 alleles (0.0011%); highest among the groups gnomAD compares: Middle Eastern, 0.017%; no homozygotes.

Submissions (2):

Labcorp Genetics (formerly Invitae), Labcorp
Classification: Uncertain significance for Hereditary spastic paraplegia 4. Last evaluated: 2025-06-15. Review status: criteria provided, single submitter. Criteria: Invitae Variant Classification Sherloc (09022015). Collection method: clinical testing. Allele origin: germline.
Comment: This sequence change replaces cysteine, which is neutral and slightly polar, with arginine, which is basic and polar, at codon 523 of the SPAST protein (p.Cys523Arg). This variant is present in population databases (rs765930645, gnomAD 0.003%). This variant has not been reported in the literature in individuals affected with SPAST-related conditions. ClinVar contains an entry for this variant (Variation ID: 2334431). Invitae Evidence Modeling of protein sequence and biophysical properties (such as structural, functional, and spatial information, amino acid conservation, physicochemical variation, residue mobility, and thermodynamic stability) indicates that this missense variant is not expected to disrupt SPAST protein function with a negative predictive value of 80%. In summary, the available evidence is currently insufficient to determine the role of this variant in disease. Therefore, it has been classified as a Variant of Uncertain Significance.

Ambry Genetics
Classification: Uncertain significance for Inborn genetic diseases. Last evaluated: 2022-12-13. Review status: criteria provided, single submitter. Criteria: Ambry Variant Classification Scheme 2023. Collection method: clinical testing. Allele origin: germline.

NM_014946.4(SPAST):c.1567T>C (p.Cys523Arg)

Gene: SPAST (spastin; plus strand). Cytogenetic location: 2p22.3.
Variant type: single nucleotide variant.
Coding change: c.1567T>C on transcript NM_014946.4 (MANE Select); coding-DNA position 1567, T replaced by C.
Protein change: p.Cys523Arg; replaces cysteine 523 with arginine.
Molecular consequence: missense variant.
Genome position (GRCh38, 1-based): chr2:32,143,366, T>C. VCF-style: chr2-32143366-T-C. GRCh37 (hg19) VCF-style: chr2-32368435-T-C.
Other names: c.1564T>C, p.Cys522Arg (NM_001363823.2); c.1468T>C, p.Cys490Arg (NM_001363875.2); c.1471T>C, p.Cys491Arg (NM_001377959.1, NM_199436.2); short protein forms C522R, C523R, C490R, C491R.
Identifiers: ClinVar variation 2334431 (VCV002334431.3), dbSNP rs765930645, ClinGen allele CA1600944.